The following is an entry in ClinVar:

NM_014363.6(SACS):c.13122G>C (p.Arg4374Ser)

Gene: SACS (sacsin molecular chaperone; minus strand). Cytogenetic location: 13q12.12.
Variant type: single nucleotide variant.
Coding change: c.13122G>C on transcript NM_014363.6 (MANE Select); coding-DNA position 13122, G replaced by C.
Protein change: p.Arg4374Ser; replaces arginine 4374 with serine.
Molecular consequence: missense variant.
Genome position (GRCh38, 1-based): chr13:23,330,754, C>G on the plus strand (G>C on the coding strand, the complement: SACS is on the minus strand). VCF-style: chr13-23330754-C-G. GRCh37 (hg19) VCF-style: chr13-23904893-C-G.
Other names: c.13122G>C (NM_014363.4); c.12681G>C, p.Arg4227Ser (NM_001278055.2); short protein forms R4227S, R4374S.
Identifiers: ClinVar variation 1349714 (VCV001349714.7), dbSNP rs2137551679, ClinGen allele CA387505947.

ClinVar aggregate classification (germline): Uncertain significance. Review status: criteria provided, multiple submitters, no conflicts (2 of 4 stars). 2 submissions from 2 submitters: Uncertain significance (2). Last evaluated 2026-05-06.

Conditions:
Inborn genetic diseases. Identifiers: MedGen C0950123, MeSH D030342.
Spastic paraplegia. Identifiers: MedGen C0037772, HP:0001258.

gnomAD v4.1: 3 of 1,613,726 alleles (0.00019%); highest among the groups gnomAD compares: Non-Finnish European, 0.00025%; no homozygotes.

Submissions (2):

Ambry Genetics
Classification: Uncertain significance for Inborn genetic diseases. Last evaluated: 2026-05-06. Review status: criteria provided, single submitter. Criteria: Ambry Variant Classification Scheme 2023. Collection method: clinical testing. Allele origin: germline.

Labcorp Genetics (formerly Invitae), Labcorp
Classification: Uncertain significance for Spastic paraplegia. Last evaluated: 2021-09-26. Review status: criteria provided, single submitter. Criteria: Invitae Variant Classification Sherloc (09022015). Collection method: clinical testing. Allele origin: germline.
Comment: In summary, the available evidence is currently insufficient to determine the role of this variant in disease. Therefore, it has been classified as a Variant of Uncertain Significance. Advanced modeling of protein sequence and biophysical properties (such as structural, functional, and spatial information, amino acid conservation, physicochemical variation, residue mobility, and thermodynamic stability) performed at Invitae indicates that this missense variant is not expected to disrupt SACS protein function. This variant has not been reported in the literature in individuals affected with SACS-related conditions. This variant is not present in population databases (ExAC no frequency). This sequence change replaces arginine with serine at codon 4374 of the SACS protein (p.Arg4374Ser). The arginine residue is moderately conserved and there is a moderate physicochemical difference between arginine and serine.